The following is an entry in ClinVar:

NM_002386.4(MC1R):c.403C>A (p.Leu135Met)

Gene: MC1R (melanocortin 1 receptor; plus strand). Cytogenetic location: 16q24.3.
Variant type: single nucleotide variant.
Coding change: c.403C>A on transcript NM_002386.4 (MANE Select); coding-DNA position 403, C replaced by A.
Protein change: p.Leu135Met; replaces leucine 135 with methionine.
Molecular consequence: missense variant.
Genome position (GRCh38, 1-based): chr16:89,919,661, C>A. VCF-style: chr16-89919661-C-A. GRCh37 (hg19) VCF-style: chr16-89986069-C-A.
Other names: short protein forms L135M.
Identifiers: ClinVar variation 3871103 (VCV003871103.1).

ClinVar aggregate classification (germline): Uncertain significance (1 of 4 stars; one submission).

Submission:

Ambry Genetics
Classification: Uncertain significance. Last evaluated: 2025-02-03. Review status: criteria provided, single submitter. Criteria: Ambry Variant Classification Scheme 2023. Collection method: clinical testing. Allele origin: germline.
Comment: The p.L135M variant (also known as c.403C>A), located in coding exon 1 of the MC1R gene, results from a C to A substitution at nucleotide position 403. The leucine at codon 135 is replaced by methionine, an amino acid with highly similar properties. This amino acid position is conserved. In addition, the in silico prediction for this alteration is inconclusive. Based on the available evidence, the clinical significance of this variant remains unclear.